The following is an entry in ClinVar:

NM_015443.4(KANSL1):c.1290-324G>A

Gene: KANSL1 (KAT8 regulatory NSL complex subunit 1). Cytogenetic location: 17q21.31.
Variant type: single nucleotide variant.
Coding change: c.1290-324G>A on transcript NM_015443.4 (MANE Select); 324 bases into the intron before coding-DNA position 1290, G replaced by A.
Molecular consequence: intron variant.
Genome position (GRCh38, 1-based): chr17:46,095,025, C>T on the plus strand (G>A on the coding strand, the complement: KANSL1 is on the minus strand). VCF-style: chr17-46095025-C-T. GRCh37 (hg19) VCF-style: chr17-44172391-C-T.
Other names: c.1290-324G>A (NM_001193465.2, NM_001379198.1, NM_001193466.2).
Identifiers: ClinVar variation 668802 (VCV000668802.1), dbSNP rs80020809, ClinGen allele CA291149293.

ClinVar aggregate classification (germline): Benign (1 of 4 stars; one submission).

Allele frequency attached by ClinVar (database versions not stated): 1000 Genomes Project 30x 0.08542; 1000 Genomes Project 0.08626; gnomAD 0.14116 and 0.14397; TOPMed 0.14800.
gnomAD v4.1: 21,642 of 151,872 alleles (14%); highest among the groups gnomAD compares: Non-Finnish European, 22%; 2,111 homozygotes.

Submission:

GeneDx
Classification: Benign. Last evaluated: 2018-06-19. Review status: criteria provided, single submitter. Criteria: GeneDx Variant Classification (06012015). Collection method: clinical testing. Allele origin: germline. Affected: yes.
Comment: This variant is considered likely benign or benign based on one or more of the following criteria: it is a conservative change, it occurs at a poorly conserved position in the protein, it is predicted to be benign by multiple in silico algorithms, and/or has population frequency not consistent with disease.